The following is an entry in ClinVar:

ClinVar aggregate classification (germline): Uncertain significance (1 of 4 stars; one submission).

Allele frequency attached by ClinVar (database versions not stated): gnomAD exomes 0.00001.
gnomAD v4.1: 4 of 1,613,434 alleles (0.00025%); highest among the groups gnomAD compares: Non-Finnish European, 0.00034%; no homozygotes.

Submission:

Women's Health and Genetics/Laboratory Corporation of America, LabCorp
Classification: Uncertain significance. Last evaluated: 2024-01-19. Review status: criteria provided, single submitter. Criteria: LabCorp Variant Classification Summary - May 2015. Collection method: clinical testing. Allele origin: germline.
Comment: Variant summary: GFM1 c.961T>C (p.Ser321Pro) results in a non-conservative amino acid change located in the Translational (tr)-type GTP-binding domain (IPR000795) of the encoded protein sequence. Three of five in-silico tools predict a damaging effect of the variant on protein function. The variant allele was found at a frequency of 4e-06 in 251318 control chromosomes (gnomAD). c.961T>C has been reported in the literature in affected siblings with Combined Oxidative Phosphorylation Deficiency (Antonicka_2006, Ravn_2015). These data indicate that the variant may be associated with disease. To our knowledge, no experimental evidence demonstrating an impact on protein function has been reported. The following publications have been ascertained in the context of this evaluation (PMID: 16632485, 23430926, 21364917). No submitters have cited clinical-significance assessments for this variant to ClinVar. Based on the evidence outlined above, the variant was classified as VUS-possibly pathogenic.

Literature cited by the submitters: PubMed 16632485; PubMed 23430926; PubMed 21364917; PubMed 26937387.

NM_024996.7(GFM1):c.961T>C (p.Ser321Pro)

Gene: GFM1 (G elongation factor mitochondrial 1; plus strand). Cytogenetic location: 3q25.32.
Variant type: single nucleotide variant.
Coding change: c.961T>C on transcript NM_024996.7 (MANE Select); coding-DNA position 961, T replaced by C.
Protein change: p.Ser321Pro; replaces serine 321 with proline.
Molecular consequence: missense variant. On other transcripts: non-coding transcript variant (4).
Genome position (GRCh38, 1-based): chr3:158,653,430, T>C. VCF-style: chr3-158653430-T-C. GRCh37 (hg19) VCF-style: chr3-158371219-T-C.
Other names: c.1018T>C, p.Ser340Pro (NM_001308164.2, NM_001374355.1); c.961T>C, p.Ser321Pro (NM_001308166.2); c.844T>C, p.Ser282Pro (NM_001374356.1); c.736T>C, p.Ser246Pro (NM_001374357.1); c.502T>C, p.Ser168Pro (NM_001374358.1); c.394T>C, p.Ser132Pro (NM_001374359.1, NM_001374360.1); c.277T>C, p.Ser93Pro (NM_001374361.1); short protein forms S132P, S168P, S246P, S282P, S321P, S340P, S93P.
Identifiers: ClinVar variation 3064006 (VCV003064006.1), dbSNP rs959808171, ClinGen allele CA86500967.
Genomic context (GRCh38, chr3:158,653,430, plus strand): 5'-TTGAAGAACAAAGGAGTTCAGCCTCTTTTAGATGCTGTTTTAGAATACCTCCCAAATCCA[T>C]CTGAAGTCCAGAACTATGCTATTCTCAATAAAGAGGAGTAAGTCTTGAAAATTGAATCTT-3'
Protein context (NP_079272.4, residues 311-331): DAVLEYLPNP[Ser321Pro]EVQNYAILNK